The following is an entry in ClinVar:

NM_001004334.4(GPR179):c.3448A>G (p.Lys1150Glu)

Gene: GPR179 (G protein-coupled receptor 179; minus strand). Cytogenetic location: 17q12.
Variant type: single nucleotide variant.
Coding change: c.3448A>G on transcript NM_001004334.4 (MANE Select); coding-DNA position 3448, A replaced by G.
Protein change: p.Lys1150Glu; replaces lysine 1150 with glutamic acid.
Molecular consequence: missense variant.
Genome position (GRCh38, 1-based): chr17:38,330,121, T>C on the plus strand (A>G on the coding strand, the complement: GPR179 is on the minus strand). VCF-style: chr17-38330121-T-C. GRCh37 (hg19) VCF-style: chr17-36486004-T-C.
Other names: short protein forms K1150E.
Identifiers: ClinVar variation 322999 (VCV000322999.16), dbSNP rs55727040, ClinGen allele CA10639552.

ClinVar aggregate classification (germline): Benign. Review status: criteria provided, multiple submitters, no conflicts (2 of 4 stars). 3 submissions from 3 submitters: Benign (3). Last evaluated 2026-02-03.

Conditions:
Congenital stationary night blindness 1E. Also called: Night blindness, congenital stationary (complete), 1E, autosomal recessive. Identifiers: Orphanet 215, MedGen C3281215, MONDO:0013807, OMIM 614565.

Allele frequency attached by ClinVar (database versions not stated): gnomAD exomes 0.05657 and 0.06925; ExAC 0.07686; gnomAD 0.15221 and 0.16088; ESP Exome Variant Server 0.15880; 1000 Genomes Project 0.16074; TOPMed 0.17100; 1000 Genomes Project 30x 0.17302.
gnomAD v4.1: 106,996 of 1,608,534 alleles (6.7%); highest among the groups gnomAD compares: African/African-American, 41%; 8,996 homozygotes.

Submissions (3):

Labcorp Genetics (formerly Invitae), Labcorp
Classification: Benign. Last evaluated: 2026-02-03. Review status: criteria provided, single submitter. Criteria: Invitae Variant Classification Sherloc (09022015). Collection method: clinical testing. Allele origin: germline.

Illumina Laboratory Services, Illumina
Classification: Benign for Congenital stationary night blindness 1E. Last evaluated: 2018-01-12. Review status: criteria provided, single submitter. Criteria: ICSL Variant Classification Criteria 13 December 2019. Collection method: clinical testing. Allele origin: germline.
Comment: This variant was observed in the ICSL laboratory as part of a predisposition screen in an ostensibly healthy population. It had not been previously curated by ICSL or reported in the Human Gene Mutation Database (HGMD: prior to June 1st, 2018), and was therefore a candidate for classification through an automated scoring system. Utilizing variant allele frequency, disease prevalence and penetrance estimates, and inheritance mode, an automated score was calculated to assess if this variant is too frequent to cause the disease. Based on the score and internal cut-off values, a variant classified as benign is not then subjected to further curation. The score for this variant resulted in a classification of benign for this disease.

Breakthrough Genomics
Classification: Benign. Review status: criteria provided, single submitter. Criteria: ACMG Guidelines, 2015. Collection method: not provided. Allele origin: germline. Inheritance: Autosomal recessive inheritance. Affected: yes.